The following is an entry in ClinVar:

ClinVar aggregate classification (germline): Uncertain significance (1 of 4 stars; one submission).

Conditions:
Left ventricular noncompaction 1 (LVNC1). Also called: LEFT VENTRICULAR NONCOMPACTION 1 WITH OR WITHOUT CONGENITAL HEART DEFECTS. Identifiers: Orphanet 54260, MedGen C1858725, MONDO:0011403, OMIM 604169.

Submission:

Labcorp Genetics (formerly Invitae), Labcorp
Classification: Uncertain significance for Left ventricular noncompaction 1. Last evaluated: 2025-01-27. Review status: criteria provided, single submitter. Criteria: Invitae Variant Classification Sherloc (09022015). Collection method: clinical testing. Allele origin: germline.
Comment: This sequence change falls in intron 18 of the DTNA gene. It does not directly change the encoded amino acid sequence of the DTNA protein. It affects a nucleotide within the consensus splice site. This variant is not present in population databases (gnomAD no frequency). This variant has not been reported in the literature in individuals affected with DTNA-related conditions. Variants that disrupt the consensus splice site are a relatively common cause of aberrant splicing (PMID: 17576681, 9536098). Algorithms developed to predict the effect of sequence changes on RNA splicing suggest that this variant is not likely to affect RNA splicing. In summary, the available evidence is currently insufficient to determine the role of this variant in disease. Therefore, it has been classified as a Variant of Uncertain Significance.

Literature cited by the submitters: PubMed 17576681; PubMed 9536098.

NM_001386795.1(DTNA):c.1993+3G>A

Gene: DTNA (dystrobrevin alpha; plus strand). Cytogenetic location: 18q12.1.
Variant type: single nucleotide variant.
Coding change: c.1993+3G>A on transcript NM_001386795.1 (MANE Select); 3 bases into the intron after coding-DNA position 1993, G replaced by A.
Molecular consequence: intron variant.
Genome position (GRCh38, 1-based): chr18:34,877,811, G>A. VCF-style: chr18-34877811-G-A. GRCh37 (hg19) VCF-style: chr18-32457775-G-A.
Other names: c.1993+3G>A (NM_001386788.1); c.1822+3G>A (NM_001386758.1, NM_001386759.1, NM_001386756.1 and 3 more transcripts); c.1732+3G>A (NM_001386766.1, NM_001386767.1, NM_001386753.1 and 5 more transcripts); c.1729+3G>A (NM_001386769.1, NM_001386768.1); c.1912+3G>A (NM_001390.5); c.982+3G>A (NM_001198943.1); c.1039+3G>A (NM_001198942.1); c.868+3G>A (NM_001198944.1); and 5 more.
Identifiers: ClinVar variation 3700626 (VCV003700626.2).